The following is an entry in ClinVar:

NM_020821.3(VPS13C):c.871A>G (p.Asn291Asp)

Gene: VPS13C (vacuolar protein sorting 13 homolog C; minus strand). Cytogenetic location: 15q22.2.
Variant type: single nucleotide variant.
Coding change: c.871A>G on transcript NM_020821.3 (MANE Select); coding-DNA position 871, A replaced by G.
Protein change: p.Asn291Asp; replaces asparagine 291 with aspartic acid.
Molecular consequence: missense variant.
Genome position (GRCh38, 1-based): chr15:62,012,119, T>C on the plus strand (A>G on the coding strand, the complement: VPS13C is on the minus strand). VCF-style: chr15-62012119-T-C. GRCh37 (hg19) VCF-style: chr15-62304318-T-C.
Other names: c.871A>G, p.Asn291Asp (NM_001018088.3); c.742A>G, p.Asn248Asp (NM_017684.5, NM_018080.4); short protein forms N291D, N248D.
Identifiers: ClinVar variation 1461035 (VCV001461035.8), dbSNP rs1160952096, ClinGen allele CA392689299.

ClinVar aggregate classification (germline): Uncertain significance (1 of 4 stars; one submission).

Allele frequency attached by ClinVar (database versions not stated): TOPMed below 0.00001.
gnomAD v4.1: 4 of 1,528,670 alleles (0.00026%); highest among the groups gnomAD compares: South Asian, 0.0011%; no homozygotes.

Submission:

Labcorp Genetics (formerly Invitae), Labcorp
Classification: Uncertain significance. Last evaluated: 2021-07-22. Review status: criteria provided, single submitter. Criteria: Invitae Variant Classification Sherloc (09022015). Collection method: clinical testing. Allele origin: germline.
Comment: This variant has not been reported in the literature in individuals affected with VPS13C-related conditions. This variant is not present in population databases (ExAC no frequency). Algorithms developed to predict the effect of missense changes on protein structure and function output the following: SIFT: "Tolerated"; PolyPhen-2: "Benign"; Align-GVGD: "Class C0". The aspartic acid amino acid residue is found in multiple mammalian species, which suggests that this missense change does not adversely affect protein function. This sequence change replaces asparagine with aspartic acid at codon 291 of the VPS13C protein (p.Asn291Asp). The asparagine residue is weakly conserved and there is a small physicochemical difference between asparagine and aspartic acid. In summary, the available evidence is currently insufficient to determine the role of this variant in disease. Therefore, it has been classified as a Variant of Uncertain Significance. Algorithms developed to predict the effect of sequence changes on RNA splicing suggest that this variant may create or strengthen a splice site.